The following is an entry in ClinVar:

NM_002528.7(NTHL1):c.59G>A (p.Gly20Glu)

Gene: NTHL1 (nth like DNA glycosylase 1; minus strand). Cytogenetic location: 16p13.3.
Variant type: single nucleotide variant.
Coding change: c.59G>A on transcript NM_002528.7 (MANE Select); coding-DNA position 59, G replaced by A.
Protein change: p.Gly20Glu; replaces glycine 20 with glutamic acid.
Molecular consequence: missense variant. On other transcripts: 5 prime UTR variant (1).
Genome position (GRCh38, 1-based): chr16:2,047,765, C>T on the plus strand (G>A on the coding strand, the complement: NTHL1 is on the minus strand). VCF-style: chr16-2047765-C-T. GRCh37 (hg19) VCF-style: chr16-2097766-C-T.
Other names: c.59G>A, p.Gly20Glu (LRG_1366t1, NM_001318193.2); c.-120G>A (NM_001318194.2); short protein forms G20E.
Identifiers: ClinVar variation 653191 (VCV000653191.12), dbSNP rs1430939825, ClinGen allele CA394298453.
Genomic context (GRCh38, chr16:2,047,765, plus strand): 5'-CTACCTGCTGCAGCCTCTCTTCTCCGGAGAGGCCCGGGCTCCTCCCTACACCCCCGCGGC[C>T]CAGCCCCGGGTCCCAGGCTCCGGCTCCGGGTCAGCATCCTCGCGCTCAAGGCGGTCATGC-3'
Protein context (NP_002519.2, residues 10-30): TRSRSLGPGA[Gly20Glu]PRGCREEPGP

ClinVar aggregate classification (germline): Uncertain significance. Review status: criteria provided, multiple submitters, no conflicts (2 of 4 stars). 2 submissions from 2 submitters: Uncertain significance (2). Last evaluated 2025-10-19.

Conditions:
Hereditary cancer-predisposing syndrome. Also called: Neoplastic Syndromes, Hereditary; Tumor predisposition; Hereditary Cancer Syndrome; Hereditary neoplastic syndrome. Identifiers: Orphanet 140162, MedGen C0027672, MeSH D009386, MONDO:0015356.

Allele frequency attached by ClinVar (database versions not stated): TOPMed 0.00001.
gnomAD v4.1: 5 of 1,587,336 alleles (0.00031%); highest among the groups gnomAD compares: Non-Finnish European, 0.00043%; no homozygotes.

Submissions (2):

Ambry Genetics
Classification: Uncertain significance for Hereditary cancer-predisposing syndrome. Last evaluated: 2025-10-19. Review status: criteria provided, single submitter. Criteria: Ambry Variant Classification Scheme 2023. Collection method: clinical testing. Allele origin: germline.
Comment: The p.G28E variant (also known as c.83G>A), located in coding exon 1 of the NTHL1 gene, results from a G to A substitution at nucleotide position 83. The glycine at codon 28 is replaced by glutamic acid, an amino acid with similar properties. This amino acid position is not well conserved in available vertebrate species. In addition, this alteration is predicted to be tolerated by in silico analysis. Since supporting evidence is limited at this time, the clinical significance of this alteration remains unclear.

Labcorp Genetics (formerly Invitae), Labcorp
Classification: Uncertain significance. Last evaluated: 2024-07-24. Review status: criteria provided, single submitter. Criteria: Invitae Variant Classification Sherloc (09022015). Collection method: clinical testing. Allele origin: germline.
Comment: This sequence change replaces glycine, which is neutral and non-polar, with glutamic acid, which is acidic and polar, at codon 28 of the NTHL1 protein (p.Gly28Glu). The frequency data for this variant in the population databases is considered unreliable, as metrics indicate poor data quality at this position in the gnomAD database. This variant has not been reported in the literature in individuals affected with NTHL1-related conditions. ClinVar contains an entry for this variant (Variation ID: 653191). An algorithm developed to predict the effect of missense changes on protein structure and function (PolyPhen-2) suggests that this variant is likely to be tolerated. In summary, the available evidence is currently insufficient to determine the role of this variant in disease. Therefore, it has been classified as a Variant of Uncertain Significance.